The following is an entry in ClinVar:

NM_000545.8(HNF1A):c.1720= (p.Ser574=)

Gene: HNF1A (HNF1 homeobox A; plus strand). Cytogenetic location: 12q24.31.
Variant type: single nucleotide variant.
Coding change: c.1720= on transcript NM_000545.8 (MANE Select); coding-DNA position 1720, no change from the reference sequence.
Protein change: p.Ser574=; no amino-acid change (serine 574 retained).
Molecular consequence: no sequence alteration.
Genome position: GRCh38 VCF-style: chr12-120999579-A-A. GRCh37 (hg19) VCF-style: chr12-121437382-A-A.
Other names: G574S; c.1741=, p.Ser581= (NM_001306179.2); c.1720G>A (NM_000545.6).
Identifiers: ClinVar variation 14939 (VCV000014939.13), dbSNP rs1169305.

ClinVar aggregate classification (germline): Benign/Likely benign. Review status: criteria provided, multiple submitters, no conflicts (2 of 4 stars). 4 submissions from 4 submitters: Benign (2); Likely benign (1). 1 of the submissions does not count toward it. Last evaluated 2026-02-01.

Conditions:
HNF1A-related disorder. Also called: HNF1A-related condition.
Maturity-onset diabetes of the young type 3. Also called: MODY type 3; MODY, type III. Identifiers: Orphanet 552, MedGen C1838100, MeSH C563933, MONDO:0010894, OMIM 600496. Disease mechanism: loss of function.

Allele frequency attached by ClinVar (database versions not stated): gnomAD exomes 0.00133 and 0.00354; ExAC 0.00415; gnomAD 0.01300 and 0.01390; 1000 Genomes Project 0.01478; TOPMed 0.01546; 1000 Genomes Project 30x 0.01702.

Submissions (4):

Labcorp Genetics (formerly Invitae), Labcorp
Classification: Benign. Last evaluated: 2026-02-01. Review status: criteria provided, single submitter. Criteria: Invitae Variant Classification Sherloc (09022015). Collection method: clinical testing. Allele origin: germline.

PreventionGenetics, part of Exact Sciences
Classification: Likely benign for HNF1A-related condition. Last evaluated: 2021-05-02. Review status: criteria provided, single submitter. Criteria: ACMG Guidelines, 2015. Collection method: clinical testing. Allele origin: germline.
Comment: This variant is classified as likely benign based on ACMG/AMP sequence variant interpretation guidelines (Richards et al. 2015 PMID: 25741868, with internal and published modifications).

GeneDx
Classification: Benign. Last evaluated: 2015-09-25. Review status: criteria provided, single submitter. Criteria: GeneDx Variant Classification (06012015). Collection method: clinical testing. Allele origin: germline. Affected: yes.
Comment: This variant is considered likely benign or benign based on one or more of the following criteria: it is a conservative change, it occurs at a poorly conserved position in the protein, it is predicted to be benign by multiple in silico algorithms, and/or has population frequency not consistent with disease.

OMIM
Classification: Pathogenic for MATURITY-ONSET DIABETES OF THE YOUNG, TYPE 3. Last evaluated: 2002-10-01. Review status: no assertion criteria provided. Collection method: literature only. Allele origin: germline. Not counted in ClinVar's aggregate classification.

Literature cited by the submitters: PubMed 11938027 (cited by OMIM); PubMed 12355088 (cited by OMIM).